The following is an entry in ClinVar:

ClinVar aggregate classification (germline): Likely benign (1 of 4 stars; one submission).

Conditions:
Legius syndrome. Identifiers: Orphanet 137605, MedGen C1969623, MONDO:0012669, OMIM 611431. Disease mechanism: loss of function.

Allele frequency attached by ClinVar (database versions not stated): 1000 Genomes Project 0.00060; 1000 Genomes Project 30x 0.00062; TOPMed 0.00068; gnomAD 0.00088 and 0.00089.
gnomAD v4.1: 744 of 619,444 alleles (0.12%); highest among the groups gnomAD compares: Non-Finnish European, 0.15%; 1 homozygote.

Submission:

Illumina Laboratory Services, Illumina
Classification: Likely benign for Legius syndrome. Last evaluated: 2018-01-13. Review status: criteria provided, single submitter. Criteria: ICSL Variant Classification Criteria 13 December 2019. Collection method: clinical testing. Allele origin: germline.
Comment: This variant was observed in the ICSL laboratory as part of a predisposition screen in an ostensibly healthy population. It had not been previously curated by ICSL or reported in the Human Gene Mutation Database (HGMD: prior to June 1st, 2018), and was therefore a candidate for classification through an automated scoring system. Utilizing variant allele frequency, disease prevalence and penetrance estimates, and inheritance mode, an automated score was calculated to assess if this variant is too frequent to cause the disease. Based on the score and internal cut-off values, a variant classified as likely benign is not then subjected to further curation. The score for this variant resulted in a classification of likely benign for this disease.

NM_152594.3(SPRED1):c.-191C>T

Gene: SPRED1 (sprouty related EVH1 domain containing 1; plus strand). Cytogenetic location: 15q14.
Variant type: single nucleotide variant.
Coding change: c.-191C>T on transcript NM_152594.3 (MANE Select); 191 bases upstream of the start codon, C replaced by T.
Molecular consequence: 5 prime UTR variant.
Genome position (GRCh38, 1-based): chr15:38,252,995, C>T. VCF-style: chr15-38252995-C-T. GRCh37 (hg19) VCF-style: chr15-38545196-C-T.
Identifiers: ClinVar variation 315728 (VCV000315728.5), dbSNP rs556907443, ClinGen allele CA10646884.
Genomic context (GRCh38, chr15:38,252,995, plus strand): 5'-TGGGCACTGAGGCGGGGGAAGAGGCTGGGGTCGCCACGGCGGAGGTTGCTGCCGCCACCC[C>T]CCTGCGGGGGTGGCCGGGGTTCCCGGCTGGGGGGGTACCGTTCTGGGTGAGGCATCCACC-3'